The following is an entry in ClinVar:

ClinVar aggregate classification (germline): Conflicting classifications of pathogenicity. Review status: criteria provided, conflicting classifications (1 of 4 stars). 9 submissions from 9 submitters: Pathogenic (1); Likely pathogenic (2); Uncertain significance (6). Last evaluated 2026-04-03.

Conditions:
Hypertrophic cardiomyopathy 21. Also called: Familial hypertrophic cardiomyopathy 21. Identifiers: MedGen C3553442, MONDO:0013852, OMIM 614676.
TPM1-related disorder. Also called: TPM1-related condition.
Cardiovascular phenotype. Identifiers: MedGen CN230736.
Cardiomyopathy (CMYO). Also called: Cardiomyopathies. Identifiers: Orphanet 167848, MedGen C0878544, MONDO:0004994, HP:0001638. Inheritance: Various modes of inheritance.
Hypertrophic cardiomyopathy. Also called: HYPERTROPHIC MYOCARDIOPATHY. Identifiers: Orphanet 217569, MedGen C0007194, MeSH D002312, MONDO:0005045, HP:0001639.

Allele frequency attached by ClinVar (database versions not stated): gnomAD 0.00001; TOPMed 0.00001.
gnomAD v4.1: 3 of 1,609,256 alleles (0.00019%); highest among the groups gnomAD compares: East Asian, 0.0045%; no homozygotes.

Submissions (9):

Ambry Genetics
Classification: Likely pathogenic for Cardiovascular phenotype. Last evaluated: 2026-04-03. Review status: criteria provided, single submitter. Criteria: Ambry Variant Classification Scheme 2023. Collection method: clinical testing. Allele origin: germline.
Comment: The p.D28H variant (also known as c.82G>C), located in coding exon 1 of the TPM1 gene, results from a G to C substitution at nucleotide position 82. The aspartic acid at codon 28 is replaced by histidine, an amino acid with similar properties. This variant was identified in one or more individuals with features consistent with hypertrophic cardiomyopathy and segregated with disease in at least one family (Walsh R et al. Genet Med, 2017 Feb;19:192-203; Magr&igrave; D et al. J Clin Med, 2020 May;9; Pua CJ et al. Circ Genom Precis Med. 2020 Oct;13(5):424-434; Hathaway J et al. BMC Cardiovasc Disord. 2021 Mar;21:126; Josephs KS, et al. Genome Med. 2024 Oct;16(1):125; external communication; Ambry internal data). This missense variant is located in a region that has a low rate of benign missense variation (Lek M et al. Nature. 2016 Aug 18;536(7616):285-91; DECIPHER: Database of Chromosomal Imbalance and Phenotype in Humans using Ensembl Resources. Firth H.V. et al. 2009. Am.J.Hum.Genet. 84, 524-533 (DOI)). This amino acid position is highly conserved in available vertebrate species. In addition, this alteration is predicted to be deleterious by in silico analysis. Based on the majority of available evidence to date, this variant is likely to be pathogenic.

Labcorp Genetics (formerly Invitae), Labcorp
Classification: Pathogenic for Hypertrophic cardiomyopathy. Last evaluated: 2026-01-19. Review status: criteria provided, single submitter. Criteria: Invitae Variant Classification Sherloc (09022015). Collection method: clinical testing. Allele origin: germline.
Comment: This sequence change replaces aspartic acid, which is acidic and polar, with histidine, which is basic and polar, at codon 28 of the TPM1 protein (p.Asp28His). This variant is present in population databases (rs397516391, gnomAD 0.06%). This missense change has been observed in individuals with hypertrophic cardiomyopathy and/or atrial fibrillation (PMID: 27532257, 33673806, 34495297, 39472908; internal data). It has also been observed to segregate with disease in related individuals. ClinVar contains an entry for this variant (Variation ID: 43444). An algorithm developed to predict the effect of missense changes on protein structure and function (PolyPhen-2) suggests that this variant is likely to be disruptive. For these reasons, this variant has been classified as Pathogenic.

PreventionGenetics, part of Exact Sciences
Classification: Uncertain significance for TPM1-related condition. Last evaluated: 2025-11-20. Review status: criteria provided, single submitter. Criteria: ACMG Guidelines, 2015. Collection method: clinical testing. Allele origin: germline.
Comment: The TPM1 c.82G>C variant is predicted to result in the amino acid substitution p.Asp28His. This variant has been reported in individuals with hypertrophic cardiomyopathy and/or atrial fibrillation (Walsh et al. 2017. PubMed ID: 27532257; Hathaway et al. 2021. PubMed ID: 33673806; Yoneda et al. 2021. PubMed ID: 34495297). This variant is reported in 0.064% of alleles in individuals of East Asian descent in gnomAD. At this time, the clinical significance of this variant is uncertain due to the absence of conclusive functional and genetic evidence.

GeneDx
Classification: Uncertain significance. Last evaluated: 2025-06-18. Review status: criteria provided, single submitter. Criteria: GeneDx Variant Classification Process June 2021. Collection method: clinical testing. Allele origin: germline. Affected: yes.
Comment: Identified in a patient with early-onset atrial fibrillation (AF) in published literature (PMID: 34495297); Not observed at significant frequency in large population cohorts (gnomAD); In silico analysis supports that this missense variant has a deleterious effect on protein structure/function; This variant is associated with the following publications: (PMID: 27532257, 33673806, 34699384, 29192238, 33495597, 32481709, 34495297, 37652022, 38874371)

Blueprint Genetics
Classification: Likely pathogenic for TPM1-related disorders. Last evaluated: 2024-10-17. Review status: criteria provided, single submitter. Criteria: ACMG Guidelines, 2015. Collection method: clinical testing. Allele origin: germline. Affected: yes. Observed: 5 variant alleles.

Genetics and Molecular Pathology, SA Pathology
Classification: Uncertain significance for Hypertrophic cardiomyopathy 21. Last evaluated: 2022-11-09. Review status: criteria provided, single submitter. Criteria: ACMG Guidelines, 2015. Collection method: clinical testing. Allele origin: germline. Inheritance: Autosomal dominant inheritance. Affected: yes.
Comment: The TPM1 c.82G>C variant is classified as a VUS (PS4_Moderate, PM2) The TPM1 c.82G>C variant is a single nucleotide change in exon 1/10 of the TPM1 gene, which is predicted to change the amino acid aspartic acid at position 28 in the protein, to histidine. The variant has been reported in at least 8 probands with a clinical presentation of hypertrophic cardiomyopathy (PMID#27532257, #33673806, #34495297 and ClinVar) (PS4_Moderate). The variant is rare in population databases (gnomAD allele frequency = 0.00065%; 1 het) (PM2), is reported in dbSNP (rs397516391), is reported as disease causing in the HGMD database (CM1616794) and is reported with conflicting interpretations of pathogenicity by other diagnostic laboratories (ClinVar #43444). Segregation studies in at least 5 affected family member may aid in further classification of this variant.

CHEO Genetics Diagnostic Laboratory, Children's Hospital of Eastern Ontario
Classification: Uncertain significance for Cardiomyopathy. Last evaluated: 2021-10-08. Review status: criteria provided, single submitter. Criteria: ACMG Guidelines, 2015. Collection method: clinical testing. Allele origin: germline.

Color Diagnostics, LLC DBA Color Health
Classification: Uncertain significance for Cardiomyopathy. Last evaluated: 2020-11-11. Review status: criteria provided, single submitter. Criteria: ACMG Guidelines, 2015. Collection method: clinical testing. Allele origin: germline.
Comment: This missense variant replaces aspartic acid with histidine at codon 28 of the TPM1 protein. Computational prediction is inconclusive regarding the impact of this variant on protein structure and function (internally defined REVEL score threshold 0.5 < inconclusive < 0.7, PMID: 27666373). To our knowledge, functional studies have not been reported for this variant. This variant has been reported in three individuals affected with hypertrophic cardiomyopathy (PMID: 27532257). This variant has been identified in 1/31358 chromosomes in the general population by the Genome Aggregation Database (gnomAD). The available evidence is insufficient to determine the role of this variant in disease conclusively. Therefore, this variant is classified as a Variant of Uncertain Significance.

Laboratory for Molecular Medicine, Mass General Brigham Personalized Medicine
Classification: Uncertain significance. Last evaluated: 2017-12-01. Review status: criteria provided, single submitter. Criteria: LMM Criteria. Collection method: clinical testing. Allele origin: germline. Observed: 2 variant alleles.
Comment: proposed classification - variant undergoing re-assessment, contact laboratory

Literature cited by the submitters: PubMed 27532257 (cited by 4 submitters); PubMed 32481709 (cited by Ambry Genetics); PubMed 32815737 (cited by Ambry Genetics); PubMed 33673806 (cited by 3 submitters); PubMed 39472908 (cited by Ambry Genetics and Labcorp Genetics (formerly Invitae), Labcorp); PubMed 34495297 (cited by Labcorp Genetics (formerly Invitae), Labcorp and Genetics and Molecular Pathology, SA Pathology).

NM_001018005.2(TPM1):c.82G>C (p.Asp28His)

Gene: TPM1 (tropomyosin 1; plus strand). Cytogenetic location: 15q22.2.
Variant type: single nucleotide variant.
Coding change: c.82G>C on transcript NM_001018005.2 (MANE Select); coding-DNA position 82, G replaced by C.
Protein change: p.Asp28His; replaces aspartic acid 28 with histidine.
Molecular consequence: missense variant.
Genome position (GRCh38, 1-based): chr15:63,042,911, G>C. VCF-style: chr15-63042911-G-C. GRCh37 (hg19) VCF-style: chr15-63335110-G-C.
Other names: p.D28H:GAC>CAC; c.82G>C, p.Asp28His (NM_000366.6, NM_001018004.2, NM_001018006.2 and 7 more transcripts); c.82G>C (NM_001018020.1); short protein forms D28H.
Identifiers: ClinVar variation 43444 (VCV000043444.35), dbSNP rs397516391, ClinGen allele CA018385.
Genomic context (GRCh38, chr15:63,042,911, plus strand): 5'-ATGCAGATGCTGAAGCTCGACAAGGAGAACGCCTTGGATCGAGCTGAGCAGGCGGAGGCC[G>C]ACAAGAAGGCGGCGGAAGACAGGAGCAAGCAGGTCTGCGCCTCCCCGGCCCTGCGCCCGC-3'
Protein context (NP_001018005.1, residues 18-38): ALDRAEQAEA[Asp28His]KKAAEDRSKQ